The following is an entry in ClinVar:

NM_207352.4(CYP4V2):c.661C>A (p.Arg221Ser)

Gene: CYP4V2 (cytochrome P450 family 4 subfamily V member 2; plus strand). Cytogenetic location: 4q35.1.
Variant type: single nucleotide variant.
Coding change: c.661C>A on transcript NM_207352.4 (MANE Select); coding-DNA position 661, C replaced by A.
Protein change: p.Arg221Ser; replaces arginine 221 with serine.
Molecular consequence: missense variant.
Genome position (GRCh38, 1-based): chr4:186,197,589, C>A. VCF-style: chr4-186197589-C-A. GRCh37 (hg19) VCF-style: chr4-187118743-C-A.
Other names: short protein forms R221S.
Identifiers: ClinVar variation 2097909 (VCV002097909.3), dbSNP rs745471184, ClinGen allele CA358947818.

ClinVar aggregate classification (germline): Uncertain significance (1 of 4 stars; one submission).

Submission:

Labcorp Genetics (formerly Invitae), Labcorp
Classification: Uncertain significance. Last evaluated: 2022-07-19. Review status: criteria provided, single submitter. Criteria: Invitae Variant Classification Sherloc (09022015). Collection method: clinical testing. Allele origin: germline.
Comment: This sequence change replaces arginine, which is basic and polar, with serine, which is neutral and polar, at codon 221 of the CYP4V2 protein (p.Arg221Ser). In summary, the available evidence is currently insufficient to determine the role of this variant in disease. Therefore, it has been classified as a Variant of Uncertain Significance. Algorithms developed to predict the effect of sequence changes on RNA splicing suggest that this variant may disrupt the consensus splice site. Advanced modeling of protein sequence and biophysical properties (such as structural, functional, and spatial information, amino acid conservation, physicochemical variation, residue mobility, and thermodynamic stability) performed at Invitae indicates that this missense variant is expected to disrupt CYP4V2 protein function. This variant has not been reported in the literature in individuals affected with CYP4V2-related conditions. This variant is not present in population databases (gnomAD no frequency).